The following is an entry in ClinVar:

ClinVar aggregate classification (germline): Uncertain significance (1 of 4 stars; one submission).

Submission:

Greenwood Genetic Center Diagnostic Laboratories, Greenwood Genetic Center
Classification: Uncertain significance. Last evaluated: 2025-06-03. Review status: criteria provided, single submitter. Criteria: ACMG Guidelines, 2015. Collection method: clinical testing. Allele origin: germline. Affected: yes.
Comment: Gene of Uncertain Significance

NM_001367774.2(BCLAF3):c.36del (p.Lys12fs)

Gene: BCLAF3 (BCLAF1 and THRAP3 family member 3; minus strand). Cytogenetic location: Xp22.12.
Variant type: Deletion.
Coding change: c.36del on transcript NM_001367774.2 (MANE Select); coding-DNA position 36, one base deleted (A; older notation c.36delA).
Protein change: p.Lys12fs; shifts the reading frame from lysine 12.
Molecular consequence: frameshift variant.
Genome position (GRCh38, 1-based): chrX:19,970,229, T deleted on the plus strand (A on the coding strand, the reverse complement: BCLAF3 is on the minus strand); the first of 3 consecutive T bases (chrX:19,970,229-19,970,231); deleting any one gives the same sequence. VCF-style (leftmost placement, unchanged base first): chrX-19970228-GT-G. GRCh37 (hg19) VCF-style: chrX-19988346-GT-G.
Other names: c.36del, p.Lys12fs (NM_198279.4); short protein forms K12fs.
Identifiers: ClinVar variation 4538279 (VCV004538279.1).